The following is an entry in ClinVar:

NM_000090.4(COL3A1):c.638G>A (p.Gly213Asp)

Gene: COL3A1 (collagen type III alpha 1 chain; plus strand). Cytogenetic location: 2q32.2.
Variant type: single nucleotide variant.
Coding change: c.638G>A on transcript NM_000090.4 (MANE Select); coding-DNA position 638, G replaced by A.
Protein change: p.Gly213Asp; replaces glycine 213 with aspartic acid.
Molecular consequence: missense variant.
Genome position (GRCh38, 1-based): chr2:188,989,397, G>A. VCF-style: chr2-188989397-G-A. GRCh37 (hg19) VCF-style: chr2-189854123-G-A.
Other names: short protein forms G213D.
Identifiers: ClinVar variation 1163237 (VCV001163237.12), dbSNP rs2153501864, ClinGen allele CA349848742.

ClinVar aggregate classification (germline): Pathogenic/Likely pathogenic. Review status: criteria provided, multiple submitters, no conflicts (2 of 4 stars). 3 submissions from 3 submitters: Pathogenic (2); Likely pathogenic (1). Last evaluated 2021-12-18.

Conditions:
Familial thoracic aortic aneurysm and aortic dissection (TAAD). Also called: Thoracic aortic aneurysms and dissections. Identifiers: Orphanet 91387, MedGen C4707243, MONDO:0019625.
Ehlers-Danlos syndrome, type 4 (EDSVASC). Also called: Ehlers-Danlos syndrome vascular type; Ehlers Danlos syndrome, ecchymotic type; Ehlers Danlos syndrome, arterial type; Ehlers Danlos syndrome, Sack-Barabas type; Ehlers-Danlos Syndrome Type IV. Identifiers: Orphanet 286, MedGen C0268338, MONDO:0017314, OMIM 130050.

Submissions (3):

Labcorp Genetics (formerly Invitae), Labcorp
Classification: Pathogenic for Ehlers-Danlos syndrome, type 4. Last evaluated: 2021-12-18. Review status: criteria provided, single submitter. Criteria: Invitae Variant Classification Sherloc (09022015). Collection method: clinical testing. Allele origin: germline.
Comment: This sequence change replaces glycine, which is neutral and non-polar, with aspartic acid, which is acidic and polar, at codon 213 of the COL3A1 protein (p.Gly213Asp). This variant is not present in population databases (gnomAD no frequency). This missense change has been observed in individuals with COL3A1-related conditions (PMID: 25758994, 31600821). ClinVar contains an entry for this variant (Variation ID: 1163237). Algorithms developed to predict the effect of missense changes on protein structure and function are either unavailable or do not agree on the potential impact of this missense change (SIFT: "Deleterious"; PolyPhen-2: "Not Available"; Align-GVGD: "Class C0"). This variant disrupts the triple helix domain of COL3A1. Glycine residues within the Gly-Xaa-Yaa repeats of the triple helix domain are required for the structure and stability of fibrillar collagens (PMID: 7695699, 8218237, 19344236). In COL3A1, variants that affect these glycine residues are significantly enriched in individuals with disease (PMID: 24922459, 25758994) compared to the general population (ExAC). For these reasons, this variant has been classified as Pathogenic.

Ambry Genetics
Classification: Pathogenic for Familial thoracic aortic aneurysm and aortic dissection. Last evaluated: 2020-08-05. Review status: criteria provided, single submitter. Criteria: Ambry Variant Classification Scheme 2023. Collection method: clinical testing. Allele origin: germline.
Comment: The p.G213D variant (also known as c.638G>A), located in coding exon 8 of the COL3A1 gene, results from a G to A substitution at nucleotide position 638. The glycine at codon 213 is replaced by aspartic acid, an amino acid with similar properties. The majority (approximately two-thirds) of COL3A1 mutations identified to date have involved the substitution of another amino acid for glycine within the triple-helical domain (Pepin MG et al. Genet Med. 2014;16(12):881-8; Frank M et al. Eur J Hum Genet. 2015;23(12):1657-64). This particular glycine substitution has been detected in individuals reported to have Ehlers-Danlos syndrome type IV (vascular type) (Frank M et al. Eur. J. Hum. Genet., 2015 Dec;23:1657-64; Ritelli M et al. Clin. Genet., 2020 02;97:287-295). Internal structural analysis indicates that this alteration disrupts the characteristic G-X-Y motif in the COL3A1 protein and inserts a bulky side chain into a sterically-constrained region (Bella J et al. Science. 1994;266:75-81; Hohenester E et al. Proc. Natl. Acad. Sci. U.S.A. 2008;105:18273-7; Ambry internal data). Based on the supporting evidence, this alteration is interpreted as a disease-causing mutation.

Mayo Clinic Laboratories, Mayo Clinic
Classification: Likely pathogenic. Last evaluated: 2020-02-05. Review status: criteria provided, single submitter. Criteria: ACMG Guidelines, 2015. Collection method: clinical testing. Allele origin: germline. Observed: 1 variant allele.
Comment: PM1, PM2, PM5, PM6, PP2, PP3, PP4

Literature cited by the submitters: PubMed 25758994 (cited by 3 submitters); PubMed 31600821 (cited by 3 submitters); PubMed 7695699 (cited by Labcorp Genetics (formerly Invitae), Labcorp); PubMed 8218237 (cited by Labcorp Genetics (formerly Invitae), Labcorp); PubMed 19344236 (cited by Labcorp Genetics (formerly Invitae), Labcorp); PubMed 24922459 (cited by Labcorp Genetics (formerly Invitae), Labcorp and Mayo Clinic Laboratories, Mayo Clinic); PubMed 30474650 (cited by Ambry Genetics and Mayo Clinic Laboratories, Mayo Clinic).